The following is an entry in ClinVar:

ClinVar aggregate classification (germline): Uncertain significance (1 of 4 stars; one submission).

Submission:

Labcorp Genetics (formerly Invitae), Labcorp
Classification: Uncertain significance. Last evaluated: 2022-10-26. Review status: criteria provided, single submitter. Criteria: Invitae Variant Classification Sherloc (09022015). Collection method: clinical testing. Allele origin: germline.
Comment: This variant is not present in population databases (gnomAD no frequency). This variant has not been reported in the literature in individuals affected with POLE-related conditions. Advanced modeling of protein sequence and biophysical properties (such as structural, functional, and spatial information, amino acid conservation, physicochemical variation, residue mobility, and thermodynamic stability) performed at Invitae indicates that this missense variant is not expected to disrupt POLE protein function. In summary, the available evidence is currently insufficient to determine the role of this variant in disease. Therefore, it has been classified as a Variant of Uncertain Significance. This sequence change replaces isoleucine, which is neutral and non-polar, with threonine, which is neutral and polar, at codon 1611 of the POLE protein (p.Ile1611Thr).

NM_006231.4(POLE):c.4832T>C (p.Ile1611Thr)

Gene: POLE (DNA polymerase epsilon, catalytic subunit; minus strand). Cytogenetic location: 12q24.33.
Variant type: single nucleotide variant.
Coding change: c.4832T>C on transcript NM_006231.4 (MANE Select); coding-DNA position 4832, T replaced by C.
Protein change: p.Ile1611Thr; replaces isoleucine 1611 with threonine.
Molecular consequence: missense variant.
Genome position (GRCh38, 1-based): chr12:132,642,626, A>G on the plus strand (T>C on the coding strand, the complement: POLE is on the minus strand). VCF-style: chr12-132642626-A-G. GRCh37 (hg19) VCF-style: chr12-133219212-A-G.
Other names: short protein forms I1611T.
Identifiers: ClinVar variation 1722208 (VCV001722208.5), dbSNP rs2541885976, ClinGen allele CA387378247.